The following is an entry in ClinVar:

NM_001199267.2(DGKZ):c.819A>T (p.Lys273Asn)

Gene: DGKZ (diacylglycerol kinase zeta; plus strand). Cytogenetic location: 11p11.2.
Variant type: single nucleotide variant.
Coding change: c.819A>T on transcript NM_001199267.2 (MANE Select); coding-DNA position 819, A replaced by T.
Protein change: p.Lys273Asn; replaces lysine 273 with asparagine.
Molecular consequence: missense variant.
Genome position (GRCh38, 1-based): chr11:46,371,766, A>T. VCF-style: chr11-46371766-A-T. GRCh37 (hg19) VCF-style: chr11-46393316-A-T.
Other names: c.822A>T, p.Lys274Asn (NM_001199266.2, NM_003646.4); c.753A>T, p.Lys251Asn (NM_001199268.2); c.870A>T, p.Lys290Asn (NM_201532.3); c.834A>T, p.Lys278Asn (NM_201533.3); c.1386A>T, p.Lys462Asn (NM_001105540.2); short protein forms K251N, K274N, K278N, K273N, K290N, K462N.
Identifiers: ClinVar variation 1395375 (VCV001395375.6), dbSNP rs1943972838, ClinGen allele CA380218641.

ClinVar aggregate classification (germline): Uncertain significance (1 of 4 stars; one submission).

Submission:

Labcorp Genetics (formerly Invitae), Labcorp
Classification: Uncertain significance. Last evaluated: 2021-11-27. Review status: criteria provided, single submitter. Criteria: Invitae Variant Classification Sherloc (09022015). Collection method: clinical testing. Allele origin: germline.
Comment: In summary, the available evidence is currently insufficient to determine the role of this variant in disease. Therefore, it has been classified as a Variant of Uncertain Significance. Algorithms developed to predict the effect of missense changes on protein structure and function (SIFT, PolyPhen-2, Align-GVGD) all suggest that this variant is likely to be disruptive. This variant has not been reported in the literature in individuals affected with DGKZ-related conditions. This variant is not present in population databases (gnomAD no frequency). This sequence change replaces lysine, which is basic and polar, with asparagine, which is neutral and polar, at codon 462 of the DGKZ protein (p.Lys462Asn).